The following is an entry in ClinVar:

ClinVar aggregate classification (germline): Likely benign (1 of 4 stars; one submission).

Conditions:
Long QT syndrome (LQTS). Identifiers: MedGen C0023976, MeSH D008133, MONDO:0002442. Disease mechanism: loss of function. Inheritance: Various modes of inheritance.

Submissions (2):

Labcorp Genetics (formerly Invitae), Labcorp
Classification: Likely benign for Long QT syndrome. Last evaluated: 2024-10-24. Review status: criteria provided, single submitter. Criteria: Invitae Variant Classification Sherloc (09022015). Collection method: clinical testing. Allele origin: germline.

Roden Lab, Vanderbilt University Medical Center
No classification provided (evidence only). Condition: Long QT syndrome 5. Review status: no classification provided. Collection method: in vitro. Allele origin: not applicable. Functional consequence: Effect on ion channel function. Not counted in ClinVar's aggregate classification.
ClinVar note: "not provided" was previously submitted as the classification for the variant. However, the classification appeared to be based only on an observation of functional data so it was converted to no classification on 2025-07-30.

NM_000219.6(KCNE1):c.292C>A (p.Arg98=)

Gene: KCNE1 (potassium voltage-gated channel subfamily E regulatory subunit 1; minus strand). Cytogenetic location: 21q22.12.
Variant type: single nucleotide variant.
Coding change: c.292C>A on transcript NM_000219.6 (MANE Select); coding-DNA position 292, C replaced by A.
Protein change: p.Arg98=; no amino-acid change (arginine 98 retained).
Molecular consequence: synonymous variant.
Genome position (GRCh38, 1-based): chr21:34,449,343, G>T on the plus strand (C>A on the coding strand, the complement: KCNE1 is on the minus strand). VCF-style: chr21-34449343-G-T. GRCh37 (hg19) VCF-style: chr21-35821641-G-T.
Other names: c.292C>A, p.Arg98= (NM_001127668.4, NM_001127669.4, NM_001127670.4 and 4 more transcripts).
Identifiers: ClinVar variation 1079264 (VCV001079264.11), dbSNP rs199473362, ClinGen allele CA320425178.